The following is an entry in ClinVar:

ClinVar aggregate classification (germline): Uncertain significance (1 of 4 stars; one submission).

Conditions:
Congenital myopathy 22A, classic (CMYO22A). Identifiers: MedGen C5830453, MONDO:0957247, OMIM 620351.
Hypokalemic periodic paralysis, type 2 (HOKPP2). Identifiers: Orphanet 681, MedGen C2750061, MONDO:0013234, OMIM 613345.
Hyperkalemic periodic paralysis. Also called: Gamstorp disease; Familial hyperkalemic periodic paralysis. Identifiers: Orphanet 682, MedGen C0238357, MONDO:0008224, OMIM 170500, HP:0007215.
Congenital myopathy 22B, severe fetal (CMYO22B). Identifiers: MedGen C5830501, MONDO:0957265, OMIM 620369.
Congenital myasthenic syndrome 16. Identifiers: Orphanet 590, MedGen C3280112, MONDO:0013620, OMIM 614198.
Potassium-aggravated myotonia. Also called: MYOTONIA CONGENITA, ACETAZOLAMIDE-RESPONSIVE; MYOTONIA CONGENITA, ATYPICAL; SODIUM CHANNEL MUSCLE DISEASE; Myotonia congenita, atypical, acetazolamide-responsive. Identifiers: Orphanet 612, Orphanet 99734, Orphanet 99735, Orphanet 99736, MedGen C2931826, MONDO:0018959, OMIM 608390.
Paramyotonia congenita of Von Eulenburg. Also called: PARALYSIS PERIODICA PARAMYOTONICA; Eulenburg disease; Myotonia congenita intermittens; Von Eulenburg paramyotonia congenita; Paramyotonia Congenita. Identifiers: Orphanet 684, MedGen C0221055, MONDO:0008195, OMIM 168300. Disease mechanism: loss of function.

gnomAD v4.1: 1 of 1,614,000 alleles (0.000062%); no homozygotes.

Submission:

Institute of Immunology and Genetics Kaiserslautern
Classification: Uncertain significance for Hyperkalemic periodic paralysis; Hypokalemic periodic paralysis, type 2; Potassium-aggravated myotonia; Paramyotonia congenita of Von Eulenburg; Congenital myopathy 22A, classic; Congenital myopathy 22B, severe fetal; Congenital myasthenic syndrome 16. Last evaluated: 2024-05-02. Review status: criteria provided, single submitter. Criteria: ACMG Guidelines, 2015. Collection method: clinical testing. Allele origin: germline. Affected: yes.
Comment: ACMG Criteria: PM2_P, PP3; Variant was found in heterozygous state

NM_000334.4(SCN4A):c.4243G>A (p.Gly1415Ser)

Genes: GH-LCR (growth hormone locus control region; plus strand), SCN4A (sodium voltage-gated channel alpha subunit 4; minus strand). Cytogenetic location: 17q23.3.
Variant type: single nucleotide variant.
Coding change: c.4243G>A on transcript NM_000334.4 (MANE Select); coding-DNA position 4243, G replaced by A.
Protein change: p.Gly1415Ser; replaces glycine 1415 with serine.
Molecular consequence: missense variant.
Genome position (GRCh38, 1-based): chr17:63,942,871, C>T on the plus strand (G>A on the coding strand, the complement: SCN4A is on the minus strand). VCF-style: chr17-63942871-C-T. GRCh37 (hg19) VCF-style: chr17-62020231-C-T.
Other names: short protein forms G1415S.
Identifiers: ClinVar variation 3251945 (VCV003251945.1), dbSNP rs2509286672.
Genomic context (GRCh38, chr17:63,942,871, plus strand): 5'-GCCCGCCCCGCTCACCCACAATGGACAGGATGACGACCACGAAGTCAAAGATGTTCCAGC[C>T]AACGGTGAAGTAGTACTGGCGCAGGGCGAGCATCTTGAGCACGCACTCCCCTGTGAAGAT-3'
Protein context (NP_000325.4, residues 1405-1425): LALRQYYFTV[Gly1415Ser]WNIFDFVVVI